The following is an entry in ClinVar:

NM_015021.3(ZNF292):c.6167C>T (p.Ser2056Phe)

Gene: ZNF292 (zinc finger protein 292; plus strand). Cytogenetic location: 6q14.3.
Variant type: single nucleotide variant.
Coding change: c.6167C>T on transcript NM_015021.3 (MANE Select); coding-DNA position 6167, C replaced by T.
Protein change: p.Ser2056Phe; replaces serine 2056 with phenylalanine.
Molecular consequence: missense variant.
Genome position (GRCh38, 1-based): chr6:87,259,796, C>T. VCF-style: chr6-87259796-C-T. GRCh37 (hg19) VCF-style: chr6-87969514-C-T.
Other names: c.5747C>T, p.Ser1916Phe (NM_001351444.2); short protein forms S1916F, S2056F.
Identifiers: ClinVar variation 3908068 (VCV003908068.1).
Genomic context (GRCh38, chr6:87,259,796, plus strand): 5'-TAGCAGTGATCCCAGAAAAACAACTTGTAGAAAAAAAAAGTCCTGACAAAACAGAAAGTT[C>T]TTTACAAGTGATTACAGTTACTTCAGAACAATGTAATACAAATGCACTCACAAACACACA-3'
Protein context (NP_055836.1, residues 2046-2066): EKKSPDKTES[Ser2056Phe]LQVITVTSEQ

ClinVar aggregate classification (germline): Uncertain significance (1 of 4 stars; one submission).

Submission:

GeneDx
Classification: Uncertain significance. Last evaluated: 2024-12-27. Review status: criteria provided, single submitter. Criteria: GeneDx Variant Classification Process June 2021. Collection method: clinical testing. Allele origin: germline. Affected: yes.
Comment: Not observed at significant frequency in large population cohorts (gnomAD); In silico analysis indicates that this missense variant does not alter protein structure/function; Has not been previously published as pathogenic or benign to our knowledge